The following is an entry in ClinVar:

ClinVar aggregate classification (germline): Uncertain significance (1 of 4 stars; one submission).

Conditions:
Sulfite oxidase deficiency due to molybdenum cofactor deficiency type C. Also called: Molybdenum cofactor deficiency, complementation group C; Molybdenum cofactor deficiency C. Identifiers: Orphanet 308400, Orphanet 833, MedGen C1854990, MONDO:0014212, OMIM 615501.

gnomAD v4.1: 5 of 1,613,978 alleles (0.00031%); highest among the groups gnomAD compares: Non-Finnish European, 0.00042%; no homozygotes.

Submission:

Labcorp Genetics (formerly Invitae), Labcorp
Classification: Uncertain significance for Sulfite oxidase deficiency due to molybdenum cofactor deficiency type C. Last evaluated: 2026-01-26. Review status: criteria provided, single submitter. Criteria: Invitae Variant Classification Sherloc (09022015). Collection method: clinical testing. Allele origin: germline.
Comment: This sequence change replaces leucine, which is neutral and non-polar, with phenylalanine, which is neutral and non-polar, at codon 8 of the GPHN protein (p.Leu8Phe). This variant is not present in population databases (gnomAD no frequency). This variant has not been reported in the literature in individuals affected with GPHN-related conditions. An algorithm developed to predict the effect of missense changes on protein structure and function (PolyPhen-2) suggests that this variant is likely to be disruptive. In summary, the available evidence is currently insufficient to determine the role of this variant in disease. Therefore, it has been classified as a Variant of Uncertain Significance.

NM_020806.5(GPHN):c.22C>T (p.Leu8Phe)

Gene: GPHN (gephyrin; plus strand). Cytogenetic location: 14q23.3.
Variant type: single nucleotide variant.
Coding change: c.22C>T on transcript NM_020806.5 (MANE Select); coding-DNA position 22, C replaced by T.
Protein change: p.Leu8Phe; replaces leucine 8 with phenylalanine.
Molecular consequence: missense variant.
Genome position (GRCh38, 1-based): chr14:66,508,549, C>T. VCF-style: chr14-66508549-C-T. GRCh37 (hg19) VCF-style: chr14-66975267-C-T.
Other names: c.22C>T, p.Leu8Phe (NM_001024218.2, NM_001377514.1, NM_001377515.1 and 4 more transcripts); short protein forms L8F.
Identifiers: ClinVar variation 4761298 (VCV004761298.1).
Genomic context (GRCh38, chr14:66,508,549, plus strand): 5'-CTCCCGGCTCCTGTCAGTGCGGTGACTGCGCTGGGAAACATGGCGACCGAGGGAATGATC[C>T]TTACTAACCACGACCATCAAATCCGTGTCGGAGTCCTTACAGGTAACCGGGGGAGGAGGT-3'
Protein context (NP_065857.1, residues 1-18): MATEGMI[Leu8Phe]TNHDHQIRVG